The following is an entry in ClinVar:

ClinVar aggregate classification (germline): Likely benign (1 of 4 stars; one submission).

Conditions:
PLXNA1-related disorder. Also called: PLXNA1-related condition.

gnomAD v4.1: 11 of 1,613,080 alleles (0.00068%); highest among the groups gnomAD compares: Admixed American, 0.0067%; no homozygotes.

Submission:

PreventionGenetics, part of Exact Sciences
Classification: Likely benign for PLXNA1-related condition. Last evaluated: 2026-04-07. Review status: criteria provided, single submitter. Criteria: ACMG Guidelines, 2015. Collection method: clinical testing. Allele origin: germline.
Comment: This variant is classified as likely benign based on ACMG/AMP sequence variant interpretation guidelines (Richards et al. 2015 PMID: 25741868, with internal and published modifications).

NM_032242.4(PLXNA1):c.5232-8G>A

Gene: PLXNA1 (plexin A1; plus strand). Cytogenetic location: 3q21.3.
Variant type: single nucleotide variant.
Coding change: c.5232-8G>A on transcript NM_032242.4 (MANE Select); 8 bases into the intron before coding-DNA position 5232, G replaced by A.
Molecular consequence: intron variant.
Genome position (GRCh38, 1-based): chr3:127,032,379, G>A. VCF-style: chr3-127032379-G-A. GRCh37 (hg19) VCF-style: chr3-126751222-G-A.
Identifiers: ClinVar variation 4979216 (VCV004979216.1).